The following is an entry in ClinVar:

ClinVar aggregate classification (germline): Pathogenic. Review status: no assertion criteria provided (0 of 4 stars). 3 submissions from 2 submitters: Pathogenic (2). 1 of the submissions does not count toward it. Last evaluated 2002-02-01.

Conditions:
Dominant dystrophic epidermolysis bullosa with absence of skin. Also called: EPIDERMOLYSIS BULLOSA WITH CONGENITAL LOCALIZED ABSENCE OF SKIN AND DEFORMITY OF NAILS; EPIDERMOLYSIS BULLOSA DYSTROPHICA, BART TYPE. Identifiers: MedGen C0268371, MONDO:0007557, OMIM 132000.
Nonsyndromic congenital nail disorder 8. Also called: TOENAIL DYSTROPHY, ISOLATED. Identifiers: MedGen C1843761, MONDO:0011852, OMIM 607523.
Recessive dystrophic epidermolysis bullosa (RDEB). Also called: severe generalized recessive dystrophic epidermolysis bullosa; Recessive DEB (RDEB); EPIDERMOLYSIS BULLOSA DYSTROPHICA, GENERALIZED SEVERE, AUTOSOMAL RECESSIVE; DYSTROPHIC EPIDERMOLYSIS BULLOSA, AUTOSOMAL RECESSIVE; EPIDERMOLYSIS BULLOSA DYSTROPHICA, HALLOPEAU-SIEMENS TYPE; Hallopeau-Siemens Disease. Identifiers: Orphanet 79408, Orphanet 79409, MedGen C0079474, MONDO:0009179, OMIM 226600.

Submissions (3):

OMIM
Classification: Pathogenic for NAIL DISORDER, NONSYNDROMIC CONGENITAL, 8. Last evaluated: 2002-02-01. Review status: no assertion criteria provided. Collection method: literature only. Allele origin: germline.

OMIM
Classification: Pathogenic for EPIDERMOLYSIS BULLOSA DYSTROPHICA, AUTOSOMAL RECESSIVE. Last evaluated: 2002-02-01. Review status: no assertion criteria provided. Collection method: literature only. Allele origin: germline.

ClinVar Staff, National Center for Biotechnology Information (NCBI)
No classification provided. Condition: Dominant dystrophic epidermolysis bullosa with absence of skin. Review status: no classification provided. Collection method: not provided. Allele origin: unknown. Not counted in ClinVar's aggregate classification.
Comment: TOENAIL DYSTROPHY, ISOLATED

Literature cited by the submitters: PubMed 11843659 (cited by OMIM).

NM_000094.4(COL7A1):c.5443G>A (p.Gly1815Arg)

Gene: COL7A1 (collagen type VII alpha 1 chain; minus strand). Cytogenetic location: 3p21.31.
Variant type: single nucleotide variant.
Coding change: c.5443G>A on transcript NM_000094.4 (MANE Select); coding-DNA position 5443, G replaced by A.
Protein change: p.Gly1815Arg; replaces glycine 1815 with arginine.
Molecular consequence: missense variant.
Genome position (GRCh38, 1-based): chr3:48,578,497, C>T on the plus strand (G>A on the coding strand, the complement: COL7A1 is on the minus strand). VCF-style: chr3-48578497-C-T. GRCh37 (hg19) VCF-style: chr3-48615930-C-T.
Other names: short protein forms G1815R.
Identifiers: ClinVar variation 156289 (VCV000156289.1), dbSNP rs121912841, ClinGen allele CA270740.